The following is an entry in ClinVar:

ClinVar aggregate classification (germline): Pathogenic (0 of 4 stars; one submission).

Conditions:
Blepharophimosis, ptosis, and epicanthus inversus syndrome. Identifiers: Orphanet 126, MedGen C0220663, MONDO:0007201, OMIM 110100.

Submission:

Laboratory of Genetics, AOUP, Azienda Ospedaliera Universitaria Pisana
Classification: Pathogenic for Blepharophimosis, ptosis, and epicanthus inversus syndrome. Last evaluated: 2017-08-22. Review status: no assertion criteria provided. Collection method: clinical testing. Allele origin: unknown. Inheritance: Autosomal dominant inheritance. Affected: yes.
Comment: The deletion is 278 kb uspstream of FOXL2, and affects the regulatory elements of this gene, causing BPES and additional clinical signs like microcephaly.

Single allele

Genes: COPB2 (coat protein complex I subunit beta 2; minus strand), MRPS22 (mitochondrial ribosomal protein S22; plus strand). Cytogenetic location: 3q23.
Variant type: Deletion.
Identifiers: ClinVar variation 433554 (VCV000433554.2).